The following is an entry in ClinVar:

NM_001352514.2(HLCS):c.2144G>A (p.Trp715Ter)

Gene: HLCS (holocarboxylase synthetase; minus strand). Cytogenetic location: 21q22.13.
Variant type: single nucleotide variant.
Coding change: c.2144G>A on transcript NM_001352514.2 (MANE Select); coding-DNA position 2144, G replaced by A.
Protein change: p.Trp715Ter; replaces tryptophan 715 with a stop codon.
Molecular consequence: nonsense. On other transcripts: non-coding transcript variant (2).
Genome position (GRCh38, 1-based): chr21:36,759,819, C>T on the plus strand (G>A on the coding strand, the complement: HLCS is on the minus strand). VCF-style: chr21-36759819-C-T. GRCh37 (hg19) VCF-style: chr21-38132120-C-T.
Other names: c.1703G>A, p.Trp568Ter (NM_001242785.2, NM_001352515.2, NM_001352516.2 and 4 more transcripts); short protein forms W568*, W715*.
Identifiers: ClinVar variation 1685877 (VCV001685877.5), dbSNP rs1174060268, ClinGen allele CA409920112.

ClinVar aggregate classification (germline): Pathogenic/Likely pathogenic. Review status: criteria provided, multiple submitters, no conflicts (2 of 4 stars). 4 submissions from 4 submitters: Pathogenic (2); Likely pathogenic (2). Last evaluated 2026-08-06.

Conditions:
Holocarboxylase synthetase deficiency. Also called: MULTIPLE CARBOXYLASE DEFICIENCY, EARLY ONSET. Identifiers: Orphanet 79242, MedGen C0268581, MONDO:0009666, OMIM 253270.

Allele frequency attached by ClinVar (database versions not stated): gnomAD exomes below 0.00001.
gnomAD v4.1: 2 of 1,612,320 alleles (0.00012%); highest among the groups gnomAD compares: Non-Finnish European, 0.00017%; no homozygotes.

Submissions (4):

OLLIN Analises Genomicas, OLLIN
Classification: Likely pathogenic. Last evaluated: 2026-08-06. Review status: criteria provided, single submitter. Criteria: ACMG Guidelines 2015 PMID 25741868. Collection method: clinical testing. Allele origin: germline.
Comment: This nonsense variant, located in exon 9 (of 11), has been reported in ClinVar (accession VCV001685877.4) and in gnomAD with an allele frequency of 0.00012%. However, to our knowledge, it has not been reported in the scientific literature. This variant introduces a premature stop codon, which is predicted to result in either a truncated protein or degradation of the mRNA via nonsense-mediated decay (NMD). According to the currently available evidence, this variant has been classified as likely pathogenic (PVS1, PM2_P).

Labcorp Genetics (formerly Invitae), Labcorp
Classification: Pathogenic for Holocarboxylase synthetase deficiency. Last evaluated: 2024-02-13. Review status: criteria provided, single submitter. Criteria: Invitae Variant Classification Sherloc (09022015). Collection method: clinical testing. Allele origin: germline.
Comment: This sequence change creates a premature translational stop signal (p.Trp568*) in the HLCS gene. It is expected to result in an absent or disrupted protein product. Loss-of-function variants in HLCS are known to be pathogenic (PMID: 16134170). This variant is not present in population databases (gnomAD no frequency). This variant has not been reported in the literature in individuals affected with HLCS-related conditions. ClinVar contains an entry for this variant (Variation ID: 1685877). For these reasons, this variant has been classified as Pathogenic.

Baylor Genetics
Classification: Likely pathogenic for Holocarboxylase synthetase deficiency. Last evaluated: 2023-12-18. Review status: criteria provided, single submitter. Criteria: ACMG Guidelines, 2015. Collection method: clinical testing. Allele origin: unknown.

Mendelics
Classification: Pathogenic for Holocarboxylase synthetase deficiency. Last evaluated: 2022-05-04. Review status: criteria provided, single submitter. Criteria: Mendelics Assertion Criteria 2019. Collection method: clinical testing. Allele origin: germline.

Literature cited by the submitters: PubMed 16134170 (cited by Labcorp Genetics (formerly Invitae), Labcorp).